The following is an entry in ClinVar:

NM_175914.5(HNF4A):c.*1832G>A

Gene: HNF4A (hepatocyte nuclear factor 4 alpha; plus strand). Cytogenetic location: 20q13.12.
Variant type: single nucleotide variant.
Coding change: c.*1832G>A on transcript NM_175914.5 (MANE Select); 1832 bases downstream of the stop codon, G replaced by A.
Molecular consequence: 3 prime UTR variant.
Genome position (GRCh38, 1-based): chr20:44,431,497, G>A. VCF-style: chr20-44431497-G-A. GRCh37 (hg19) VCF-style: chr20-43060137-G-A.
Other names: c.*1832G>A (NM_000457.6, NM_001030003.3, NM_001258355.2 and 3 more transcripts).
Identifiers: ClinVar variation 338464 (VCV000338464.7), dbSNP rs4812832, ClinGen allele CA10643905.

ClinVar aggregate classification (germline): Benign/Likely benign. Review status: criteria provided, multiple submitters, no conflicts (2 of 4 stars). 4 submissions from 3 submitters: Benign (3); Likely benign (1). Last evaluated 2021-05-12.

Conditions:
Familial hyperinsulinism. Also called: Congenital hyperinsulinism. Identifiers: Orphanet 276525, MedGen C3888018, MONDO:0017182. Disease mechanism: loss of function.
Maturity-onset diabetes of the young (MODY). Also called: Maturity onset diabetes mellitus in young. Identifiers: Orphanet 552, MedGen C0342276, MONDO:0018911, HP:0004904.
Maturity-onset diabetes of the young type 1. Also called: MILD JUVENILE DIABETES MELLITUS; MODY, type I; MODY type 1; Diabetes mellitus MODY type 1; MODY HNF4A related; HNF4A-Related Maturity-Onset Diabetes of the Young Type 1. Identifiers: Orphanet 552, MedGen C1852093, MONDO:0007452, OMIM 125850. Disease mechanism: loss of function.

Allele frequency attached by ClinVar (database versions not stated): gnomAD exomes 0.00442; gnomAD 0.02019 and 0.02160; TOPMed 0.03101; 1000 Genomes Project 0.04273; 1000 Genomes Project 30x 0.04638.
gnomAD v4.1: 3,265 of 152,356 alleles (2.1%); highest among the groups gnomAD compares: Admixed American, 15%; 268 homozygotes.

Submissions (4):

GeneDx
Classification: Likely benign. Last evaluated: 2021-05-12. Review status: criteria provided, single submitter. Criteria: GeneDx Variant Classification Process June 2021. Collection method: clinical testing. Allele origin: germline. Affected: yes.

Illumina Laboratory Services, Illumina
Classification: Benign for Maturity-onset diabetes of the young type 1. Last evaluated: 2018-01-12. Review status: criteria provided, single submitter. Criteria: ICSL Variant Classification Criteria 13 December 2019. Collection method: clinical testing. Allele origin: germline.
Comment: This variant was observed in the ICSL laboratory as part of a predisposition screen in an ostensibly healthy population. It had not been previously curated by ICSL or reported in the Human Gene Mutation Database (HGMD: prior to June 1st, 2018), and was therefore a candidate for classification through an automated scoring system. Utilizing variant allele frequency, disease prevalence and penetrance estimates, and inheritance mode, an automated score was calculated to assess if this variant is too frequent to cause the disease. Based on the score and internal cut-off values, a variant classified as benign is not then subjected to further curation. The score for this variant resulted in a classification of benign for this disease.

Illumina Laboratory Services, Illumina
Classification: Benign for Familial hyperinsulinism. Last evaluated: 2018-01-12. Review status: criteria provided, single submitter. Criteria: ICSL Variant Classification Criteria 13 December 2019. Collection method: clinical testing. Allele origin: germline.
Comment: the same text as in the submission from Illumina Laboratory Services, Illumina above.

Clinical Genomics, Uppaluri K&H Personalized Medicine Clinic
Classification: Benign for Maturity-onset diabetes of the young. Review status: criteria provided, single submitter. Criteria: K & H Uppaluri Personalized Medicine Clinic Variant Classification & Assertion Criteria_Updated V.1. Collection method: research. Allele origin: unknown. Inheritance: Autosomal dominant inheritance.
Comment: Potent mutations in HNF4A are associated with poor insulin secretion in response to hyperglycemia. Associated with MODY1. Patients initially respond well to sulfonylureas but eventually become insulin dependent. However, more evidence is required to ascertain the role of this particular variant rs4812832 in MODY, yet.

Literature cited by the submitters: DOI 10.1159/000334532 (cited by Clinical Genomics, Uppaluri K&H Personalized Medicine Clinic); PubMed 18268044 (cited by Clinical Genomics, Uppaluri K&H Personalized Medicine Clinic); PubMed 17563455 (cited by Clinical Genomics, Uppaluri K&H Personalized Medicine Clinic); PubMed 32583173 (cited by Clinical Genomics, Uppaluri K&H Personalized Medicine Clinic); PubMed 35052457 (cited by Clinical Genomics, Uppaluri K&H Personalized Medicine Clinic); PubMed 35118593 (cited by Clinical Genomics, Uppaluri K&H Personalized Medicine Clinic).